The following is an entry in ClinVar:

ClinVar aggregate classification (germline): Pathogenic (1 of 4 stars; one submission).

Conditions:
Joubert syndrome. Also called: CEREBELLOPARENCHYMAL DISORDER IV; JOUBERT-BOLTSHAUSER SYNDROME; Familial aplasia of the vermis. Identifiers: Orphanet 475, MedGen C5979921, MONDO:0018772.
Meckel-Gruber syndrome. Also called: DYSENCEPHALIA SPLANCHNOCYSTICA; GRUBER SYNDROME; Dysencephalia splachnocystica. Identifiers: Orphanet 564, MedGen C0265215, MONDO:0018921.
Nephronophthisis. Also called: Juvenile Nephronophthisis. Identifiers: Orphanet 655, MedGen C0687120, MONDO:0019005, HP:0000090.

Submission:

Labcorp Genetics (formerly Invitae), Labcorp
Classification: Pathogenic for Joubert syndrome; Meckel-Gruber syndrome; Nephronophthisis. Last evaluated: 2022-05-30. Review status: criteria provided, single submitter. Criteria: Invitae Variant Classification Sherloc (09022015). Collection method: clinical testing. Allele origin: germline.
Comment: This variant is not present in population databases (gnomAD no frequency). This variant has not been reported in the literature in individuals affected with CEP290-related conditions. For these reasons, this variant has been classified as Pathogenic. This sequence change creates a premature translational stop signal (p.Gln1191*) in the CEP290 gene. It is expected to result in an absent or disrupted protein product. Loss-of-function variants in CEP290 are known to be pathogenic (PMID: 16909394, 17345604, 20690115).

Literature cited by the submitters: PubMed 16909394; PubMed 17345604; PubMed 20690115.

NM_025114.4(CEP290):c.3571C>T (p.Gln1191Ter)

Gene: CEP290 (centrosomal protein 290; minus strand). Cytogenetic location: 12q21.32.
Variant type: single nucleotide variant.
Coding change: c.3571C>T on transcript NM_025114.4 (MANE Select); coding-DNA position 3571, C replaced by T.
Protein change: p.Gln1191Ter; replaces glutamine 1191 with a stop codon.
Molecular consequence: nonsense.
Genome position (GRCh38, 1-based): chr12:88,090,730, G>A on the plus strand (C>T on the coding strand, the complement: CEP290 is on the minus strand). VCF-style: chr12-88090730-G-A. GRCh37 (hg19) VCF-style: chr12-88484507-G-A.
Other names: short protein forms Q1191*.
Identifiers: ClinVar variation 2000954 (VCV002000954.4), dbSNP rs2500156012, ClinGen allele CA386001554.